The following is an entry in ClinVar:

ClinVar aggregate classification (germline): Uncertain significance. Review status: criteria provided, multiple submitters, no conflicts (2 of 4 stars). 2 submissions from 2 submitters: Uncertain significance (2). Last evaluated 2025-09-02.

Conditions:
Familial adenomatous polyposis 1 (FAP1). Also called: FAMILIAL ADENOMATOUS POLYPOSIS 1, ATTENUATED; POLYPOSIS, ADENOMATOUS INTESTINAL. Identifiers: MedGen C2713442, MONDO:0021056, OMIM 175100. Disease mechanism: loss of function.
Hereditary cancer-predisposing syndrome. Also called: Neoplastic Syndromes, Hereditary; Tumor predisposition; Hereditary Cancer Syndrome; Hereditary neoplastic syndrome. Identifiers: Orphanet 140162, MedGen C0027672, MeSH D009386, MONDO:0015356.

Allele frequency attached by ClinVar (database versions not stated): gnomAD exomes below 0.00001; TOPMed below 0.00001.
gnomAD v4.1: 2 of 1,614,190 alleles (0.00012%); highest among the groups gnomAD compares: Non-Finnish European, 0.00017%; no homozygotes.

Submissions (2):

Labcorp Genetics (formerly Invitae), Labcorp
Classification: Uncertain significance for Familial adenomatous polyposis 1. Last evaluated: 2025-09-02. Review status: criteria provided, single submitter. Criteria: Invitae Variant Classification Sherloc (09022015). Collection method: clinical testing. Allele origin: germline.
Comment: This sequence change replaces asparagine, which is neutral and polar, with aspartic acid, which is acidic and polar, at codon 815 of the APC protein (p.Asn815Asp). This variant is present in population databases (no rsID available, gnomAD 0.0009%). This variant has not been reported in the literature in individuals affected with APC-related conditions. ClinVar contains an entry for this variant (Variation ID: 821285). Invitae Evidence Modeling of protein sequence and biophysical properties (such as structural, functional, and spatial information, amino acid conservation, physicochemical variation, residue mobility, and thermodynamic stability) indicates that this missense variant is not expected to disrupt APC protein function with a negative predictive value of 95%. In summary, the available evidence is currently insufficient to determine the role of this variant in disease. Therefore, it has been classified as a Variant of Uncertain Significance.

Ambry Genetics
Classification: Uncertain significance for Hereditary cancer-predisposing syndrome. Last evaluated: 2019-04-25. Review status: criteria provided, single submitter. Criteria: Ambry Variant Classification Scheme 2023. Collection method: clinical testing. Allele origin: germline.
Comment: The p.N815D variant (also known as c.2443A>G), located in coding exon 15 of the APC gene, results from an A to G substitution at nucleotide position 2443. The asparagine at codon 815 is replaced by aspartic acid, an amino acid with highly similar properties. This amino acid position is not well conserved in available vertebrate species. In addition, in silico predictors for this gene do not accurately predict pathogenicity. Since supporting evidence is limited at this time, the clinical significance of this alteration remains unclear.

NM_000038.6(APC):c.2443A>G (p.Asn815Asp)

Gene: APC (APC regulator of Wnt signaling pathway; plus strand). Cytogenetic location: 5q22.2.
Variant type: single nucleotide variant.
Coding change: c.2443A>G on transcript NM_000038.6 (MANE Select); coding-DNA position 2443, A replaced by G.
Protein change: p.Asn815Asp; replaces asparagine 815 with aspartic acid.
Molecular consequence: missense variant.
Genome position (GRCh38, 1-based): chr5:112,838,037, A>G. VCF-style: chr5-112838037-A-G. GRCh37 (hg19) VCF-style: chr5-112173734-A-G.
Other names: c.2443A>G, p.Asn815Asp (NM_001127510.3, NM_001354895.2); c.2389A>G, p.Asn797Asp (NM_001127511.3); c.2497A>G, p.Asn833Asp (NM_001354896.2); c.2473A>G, p.Asn825Asp (NM_001354897.2); c.2368A>G, p.Asn790Asp (NM_001354898.2); c.2359A>G, p.Asn787Asp (NM_001354899.2); c.2320A>G, p.Asn774Asp (NM_001354900.2); c.2266A>G, p.Asn756Asp (NM_001354901.2); and 5 more; short protein forms N689D, N714D, N756D, N787D, N790D, N815D, N655D, N797D.
Identifiers: ClinVar variation 821285 (VCV000821285.14), dbSNP rs1181247980, ClinGen allele CA16026699.